The following is an entry in ClinVar:

ClinVar aggregate classification (germline): Uncertain significance. Review status: criteria provided, single submitter (1 of 4 stars). 2 submissions from 2 submitters: Uncertain significance (1). 1 of the submissions does not count toward it. Last evaluated 2021-09-01.

Conditions:
Chronic granulomatous disease. Identifiers: Orphanet 379, MedGen C0018203, MONDO:0018305.
Granulomatous disease, chronic, X-linked. Also called: GRANULOMATOUS DISEASE, CHRONIC, X-LINKED, SOMATIC MOSAIC; CYTOCHROME b-NEGATIVE GRANULOMATOUS DISEASE, CHRONIC, X-LINKED. Identifiers: Orphanet 379, MedGen C1844376, MONDO:0010600, OMIM 306400.

Submissions (2):

Labcorp Genetics (formerly Invitae), Labcorp
Classification: Uncertain significance for Granulomatous disease, chronic, X-linked. Last evaluated: 2021-09-01. Review status: criteria provided, single submitter. Criteria: Invitae Variant Classification Sherloc (09022015). Collection method: clinical testing. Allele origin: germline.
Comment: This sequence change replaces threonine with alanine at codon 269 of the CYBB protein (p.Thr269Ala). The threonine residue is highly conserved and there is a small physicochemical difference between threonine and alanine. This variant is not present in population databases (ExAC no frequency). This variant has not been reported in the literature in individuals affected with CYBB-related conditions. Algorithms developed to predict the effect of missense changes on protein structure and function are either unavailable or do not agree on the potential impact of this missense change (SIFT: "Deleterious"; PolyPhen-2: "Benign"; Align-GVGD: "Class C55"). Algorithms developed to predict the effect of sequence changes on RNA splicing suggest that this variant is not likely to affect RNA splicing. In summary, the available evidence is currently insufficient to determine the role of this variant in disease. Therefore, it has been classified as a Variant of Uncertain Significance.

Natera, Inc.
Classification: Uncertain significance for Chronic granulomatous disease. Last evaluated: 2025-04-11. Review status: no assertion criteria provided. Collection method: clinical testing. Allele origin: germline. Not counted in ClinVar's aggregate classification.

NM_000397.4(CYBB):c.805A>G (p.Thr269Ala)

Gene: CYBB (cytochrome b-245 beta chain; plus strand). Cytogenetic location: Xp11.4.
Variant type: single nucleotide variant.
Coding change: c.805A>G on transcript NM_000397.4 (MANE Select); coding-DNA position 805, A replaced by G.
Protein change: p.Thr269Ala; replaces threonine 269 with alanine.
Molecular consequence: missense variant.
Genome position (GRCh38, 1-based): chrX:37,801,256, A>G. VCF-style: chrX-37801256-A-G. GRCh37 (hg19) VCF-style: chrX-37660509-A-G.
Other names: short protein forms T269A.
Identifiers: ClinVar variation 578743 (VCV000578743.7), dbSNP rs1569479706, ClinGen allele CA412976778.